The following is an entry in ClinVar:

ClinVar aggregate classification (germline): Uncertain significance (1 of 4 stars; one submission).

Submission:

GeneDx
Classification: Uncertain significance. Last evaluated: 2022-12-14. Review status: criteria provided, single submitter. Criteria: GeneDx Variant Classification Process June 2021. Collection method: clinical testing. Allele origin: germline. Affected: yes.
Comment: Not observed at significant frequency in large population cohorts (gnomAD); In silico analysis supports that this missense variant has a deleterious effect on protein structure/function; Has not been previously published as pathogenic or benign to our knowledge

NM_001010867.4(IBA57):c.695T>C (p.Val232Ala)

Gene: IBA57 (iron-sulfur cluster assembly factor IBA57; plus strand). Cytogenetic location: 1q42.13.
Variant type: single nucleotide variant.
Coding change: c.695T>C on transcript NM_001010867.4 (MANE Select); coding-DNA position 695, T replaced by C.
Protein change: p.Val232Ala; replaces valine 232 with alanine.
Molecular consequence: missense variant.
Genome position (GRCh38, 1-based): chr1:228,175,137, T>C. VCF-style: chr1-228175137-T-C. GRCh37 (hg19) VCF-style: chr1-228362838-T-C.
Other names: c.116T>C, p.Val39Ala (NM_001310327.2); short protein forms V232A, V39A.
Identifiers: ClinVar variation 2505971 (VCV002505971.1), dbSNP rs1571918874, ClinGen allele CA345114584.
Genomic context (GRCh38, chr1:228,175,137, plus strand): 5'-GACGATGTTCAATTCTCGCTGGTTTCCCCCCTCCAATCCCTGCAGGCGTTCCTGAGGGGG[T>C]CCGAGACTTGCCTCCTGGGGTGGCCCTGCCCCTGGAGTCCAACCTGGCCTTCATGAACGG-3'
Protein context (NP_001010867.1, residues 222-242): HRYLQGVPEG[Val232Ala]RDLPPGVALP